The following is an entry in ClinVar:

ClinVar aggregate classification (germline): Uncertain significance (1 of 4 stars; one submission).

Submission:

Ambry Genetics
Classification: Uncertain significance. Last evaluated: 2026-04-02. Review status: criteria provided, single submitter. Criteria: Ambry Variant Classification Scheme 2023. Collection method: clinical testing. Allele origin: germline.
Comment: The p.N439H variant (also known as c.1315A>C), located in coding exon 1 of the TET2 gene, results from an A to C substitution at nucleotide position 1315. The asparagine at codon 439 is replaced by histidine, an amino acid with similar properties. This amino acid position is conserved. In addition, this alteration is predicted to be tolerated by in silico analysis. Based on the available evidence, the clinical significance of this variant remains unclear.

NM_001127208.3(TET2):c.1315A>C (p.Asn439His)

Genes: TET2 (tet methylcytosine dioxygenase 2; plus strand), TET2-AS1 (TET2 antisense RNA 1; minus strand). Cytogenetic location: 4q24.
Variant type: single nucleotide variant.
Coding change: c.1315A>C on transcript NM_001127208.3 (MANE Select); coding-DNA position 1315, A replaced by C.
Protein change: p.Asn439His; replaces asparagine 439 with histidine.
Molecular consequence: missense variant.
Genome position (GRCh38, 1-based): chr4:105,235,257, A>C. VCF-style: chr4-105235257-A-C. GRCh37 (hg19) VCF-style: chr4-106156414-A-C.
Other names: c.1315A>C, p.Asn439His (NM_017628.4); short protein forms N439H.
Identifiers: ClinVar variation 4865519 (VCV004865519.1).